The following is an entry in ClinVar:

NM_002519.3(NPAT):c.4062T>A (p.Asp1354Glu)

Gene: NPAT (nuclear protein, coactivator of histone transcription; minus strand). Cytogenetic location: 11q22.3.
Variant type: single nucleotide variant.
Coding change: c.4062T>A on transcript NM_002519.3 (MANE Select); coding-DNA position 4062, T replaced by A.
Protein change: p.Asp1354Glu; replaces aspartic acid 1354 with glutamic acid.
Molecular consequence: missense variant.
Genome position (GRCh38, 1-based): chr11:108,161,024, A>T on the plus strand (T>A on the coding strand, the complement: NPAT is on the minus strand). VCF-style: chr11-108161024-A-T. GRCh37 (hg19) VCF-style: chr11-108031751-A-T.
Other names: c.4083T>A, p.Asp1361Glu (NM_001321307.1); short protein forms D1354E, D1361E.
Identifiers: ClinVar variation 3222617 (VCV003222617.1), dbSNP rs2496693434, ClinGen allele CA382509457.

ClinVar aggregate classification (germline): Uncertain significance (1 of 4 stars; one submission).

Submission:

Ambry Genetics
Classification: Uncertain significance. Last evaluated: 2024-01-06. Review status: criteria provided, single submitter. Criteria: Ambry Variant Classification Scheme 2023. Collection method: clinical testing. Allele origin: germline.
Comment: The p.D1354E variant (also known as c.4062T>A), located in coding exon 17 of the NPAT gene, results from a T to A substitution at nucleotide position 4062. The aspartic acid at codon 1354 is replaced by glutamic acid, an amino acid with highly similar properties. This amino acid position is conserved. In addition, this alteration is predicted to be tolerated by in silico analysis. Since supporting evidence is limited at this time, the clinical significance of this alteration remains unclear.